The following is an entry in ClinVar:

ClinVar aggregate classification (germline): Likely benign. Review status: criteria provided, multiple submitters, no conflicts (2 of 4 stars). 3 submissions from 3 submitters: Likely benign (2). 1 of the submissions does not count toward it. Last evaluated 2025-12-24.

Conditions:
HIVEP2-related disorder. Also called: HIVEP2-related condition.
Inborn genetic diseases. Identifiers: MedGen C0950123, MeSH D030342.

Allele frequency attached by ClinVar (database versions not stated): gnomAD exomes 0.00004 and 0.00012; ExAC 0.00014; gnomAD 0.00054 and 0.00055; TOPMed 0.00054; ESP Exome Variant Server 0.00059; 1000 Genomes Project 0.00060; 1000 Genomes Project 30x 0.00062.
gnomAD v4.1: 140 of 1,612,528 alleles (0.0087%); highest among the groups gnomAD compares: African/African-American, 0.17%; no homozygotes.

Submissions (3):

Labcorp Genetics (formerly Invitae), Labcorp
Classification: Likely benign. Last evaluated: 2025-12-24. Review status: criteria provided, single submitter. Criteria: Invitae Variant Classification Sherloc (09022015). Collection method: clinical testing. Allele origin: germline.

Ambry Genetics
Classification: Likely benign for Inborn genetic diseases. Last evaluated: 2023-12-16. Review status: criteria provided, single submitter. Criteria: Ambry Variant Classification Scheme 2023. Collection method: clinical testing. Allele origin: germline.

PreventionGenetics, part of Exact Sciences
Classification: Likely benign for HIVEP2-related condition. Last evaluated: 2021-01-19. Review status: no assertion criteria provided. Collection method: clinical testing. Allele origin: germline. Not counted in ClinVar's aggregate classification.
Comment: This variant is classified as likely benign based on ACMG/AMP sequence variant interpretation guidelines (Richards et al. 2015 PMID: 25741868, with internal and published modifications).

NM_006734.4(HIVEP2):c.5224C>A (p.Leu1742Ile)

Gene: HIVEP2 (HIVEP zinc finger 2; minus strand). Cytogenetic location: 6q24.2.
Variant type: single nucleotide variant.
Coding change: c.5224C>A on transcript NM_006734.4 (MANE Select); coding-DNA position 5224, C replaced by A.
Protein change: p.Leu1742Ile; replaces leucine 1742 with isoleucine.
Molecular consequence: missense variant.
Genome position (GRCh38, 1-based): chr6:142,768,500, G>T on the plus strand (C>A on the coding strand, the complement: HIVEP2 is on the minus strand). VCF-style: chr6-142768500-G-T. GRCh37 (hg19) VCF-style: chr6-143089637-G-T.
Other names: short protein forms L1742I.
Identifiers: ClinVar variation 722288 (VCV000722288.11), dbSNP rs201362216, ClinGen allele CA4027927.